The following is an entry in ClinVar:

NM_001352754.2(ARMC9):c.226G>C (p.Asp76His)

Gene: ARMC9 (armadillo repeat containing 9; plus strand). Cytogenetic location: 2q37.1.
Variant type: single nucleotide variant.
Coding change: c.226G>C on transcript NM_001352754.2 (MANE Select); coding-DNA position 226, G replaced by C.
Protein change: p.Asp76His; replaces aspartic acid 76 with histidine.
Molecular consequence: missense variant. On other transcripts: non-coding transcript variant (1).
Genome position (GRCh38, 1-based): chr2:231,214,879, G>C. VCF-style: chr2-231214879-G-C. GRCh37 (hg19) VCF-style: chr2-232079592-G-C.
Other names: c.226G>C, p.Asp76His (NM_001271466.4, NM_001291656.2, NM_001352755.2 and 5 more transcripts); short protein forms D76H.
Identifiers: ClinVar variation 1061587 (VCV001061587.5), dbSNP rs759705369, ClinGen allele CA2159879.

ClinVar aggregate classification (germline): Uncertain significance. Review status: criteria provided, multiple submitters, no conflicts (2 of 4 stars). 2 submissions from 2 submitters: Uncertain significance (2). Last evaluated 2020-10-02.

gnomAD v4.1: 8 of 1,614,112 alleles (0.0005%); highest among the groups gnomAD compares: South Asian, 0.0022%; no homozygotes.

Submissions (2):

Labcorp Genetics (formerly Invitae), Labcorp
Classification: Uncertain significance. Last evaluated: 2020-10-02. Review status: criteria provided, single submitter. Criteria: Invitae Variant Classification Sherloc (09022015). Collection method: clinical testing. Allele origin: germline.
Comment: This sequence change replaces aspartic acid with histidine at codon 76 of the ARMC9 protein (p.Asp76His). The aspartic acid residue is weakly conserved and there is a moderate physicochemical difference between aspartic acid and histidine. This variant is present in population databases (rs759705369, ExAC 0.006%). This variant has not been reported in the literature in individuals with ARMC9-related conditions. Experimental studies and prediction algorithms are not available or were not evaluated, and the functional significance of this variant is currently unknown. In summary, the available evidence is currently insufficient to determine the role of this variant in disease. Therefore, it has been classified as a Variant of Uncertain Significance.

Breakthrough Genomics
Classification: Uncertain significance. Review status: criteria provided, single submitter. Criteria: ACMG Guidelines, 2015. Collection method: not provided. Allele origin: germline. Inheritance: Autosomal recessive inheritance. Affected: yes.